The following is an entry in ClinVar:

NR_199791.1(RNU2-2):n.61C>G

Genes: RNU2-2 (RNA, U2 small nuclear 2; minus strand), WDR74 (WD repeat domain 74; minus strand). Cytogenetic location: 11q12.3.
Variant type: single nucleotide variant.
Molecular consequence: non-coding transcript variant (on NR_199791.1). On other transcripts: 5 prime UTR variant (1).
Genome position: GRCh38 VCF-style: chr11-62841749-G-C. GRCh37 (hg19) VCF-style: chr11-62609221-G-C.
Other names: c.-478C>G (NM_001369451.1).
Identifiers: ClinVar variation 4540484 (VCV004540484.1).

ClinVar aggregate classification (germline): Uncertain significance (1 of 4 stars; one submission).

gnomAD v4.1: 11 of 152,188 alleles (0.0072%); highest among the groups gnomAD compares: East Asian, 0.019%; no homozygotes.

Submission:

Institute for Human Genetics, University Hospital Essen
Classification: Uncertain significance. Last evaluated: 2025-11-27. Review status: criteria provided, single submitter. Criteria: Submitter's publication. Collection method: clinical testing. Allele origin: inherited. Inheritance: Autosomal unknown. Affected: yes. Observed: 3 variant alleles, 2 compound heterozygotes, 1 homozygote.
Comment: PS4_Supp, PM1_supp, PM3, PP1 (criteria rationale detailed in Leitão et al. Nature Genetics 2026)